The following is an entry in ClinVar:

NM_014000.3(VCL):c.1714C>T (p.Leu572Phe)

Gene: VCL (vinculin; plus strand). Cytogenetic location: 10q22.2.
Variant type: single nucleotide variant.
Coding change: c.1714C>T on transcript NM_014000.3 (MANE Select); coding-DNA position 1714, C replaced by T.
Protein change: p.Leu572Phe; replaces leucine 572 with phenylalanine.
Molecular consequence: missense variant.
Genome position (GRCh38, 1-based): chr10:74,095,826, C>T. VCF-style: chr10-74095826-C-T. GRCh37 (hg19) VCF-style: chr10-75855584-C-T.
Other names: c.1714C>T, p.Leu572Phe (NM_003373.4); short protein forms L572F.
Identifiers: ClinVar variation 1498270 (VCV001498270.6), dbSNP rs1839959949, ClinGen allele CA377275186.

ClinVar aggregate classification (germline): Uncertain significance (1 of 4 stars; one submission).

Conditions:
Dilated cardiomyopathy 1W (CMD1W). Identifiers: Orphanet 154, MedGen C1969639, MONDO:0012667, OMIM 611407.

Allele frequency attached by ClinVar (database versions not stated): gnomAD exomes below 0.00001; TOPMed below 0.00001; gnomAD 0.00001.
gnomAD v4.1: 5 of 1,613,928 alleles (0.00031%); highest among the groups gnomAD compares: African/African-American, 0.0013%; no homozygotes.

Submission:

Labcorp Genetics (formerly Invitae), Labcorp
Classification: Uncertain significance for Dilated cardiomyopathy 1W. Last evaluated: 2024-08-08. Review status: criteria provided, single submitter. Criteria: Invitae Variant Classification Sherloc (09022015). Collection method: clinical testing. Allele origin: germline.
Comment: This sequence change replaces leucine, which is neutral and non-polar, with phenylalanine, which is neutral and non-polar, at codon 572 of the VCL protein (p.Leu572Phe). This variant is not present in population databases (gnomAD no frequency). This variant has not been reported in the literature in individuals affected with VCL-related conditions. ClinVar contains an entry for this variant (Variation ID: 1498270). An algorithm developed to predict the effect of missense changes on protein structure and function (PolyPhen-2) suggests that this variant is likely to be tolerated. In summary, the available evidence is currently insufficient to determine the role of this variant in disease. Therefore, it has been classified as a Variant of Uncertain Significance.